The following is an entry in ClinVar:

NM_000070.3(CAPN3):c.7A>G (p.Thr3Ala)

Gene: CAPN3 (calpain 3; plus strand). Cytogenetic location: 15q15.1.
Variant type: single nucleotide variant.
Coding change: c.7A>G on transcript NM_000070.3 (MANE Select); coding-DNA position 7, A replaced by G.
Protein change: p.Thr3Ala; replaces threonine 3 with alanine.
Molecular consequence: missense variant.
Genome position (GRCh38, 1-based): chr15:42,359,812, A>G. VCF-style: chr15-42359812-A-G. GRCh37 (hg19) VCF-style: chr15-42652010-A-G.
Other names: c.7A>G, p.Thr3Ala (NM_024344.2, NM_173087.2); short protein forms T3A.
Identifiers: ClinVar variation 285181 (VCV000285181.11), dbSNP rs761238719, ClinGen allele CA7510828.

ClinVar aggregate classification (germline): Uncertain significance. Review status: criteria provided, multiple submitters, no conflicts (2 of 4 stars). 3 submissions from 3 submitters: Uncertain significance (3). Last evaluated 2025-12-01.

Conditions:
Muscular dystrophy, limb-girdle, autosomal dominant 4. Also called: Calpain-3-related limb-girdle muscular dystrophy D4; MUSCULAR DYSTROPHY, LIMB-GIRDLE, TYPE 1I. Identifiers: Orphanet 565909, MedGen C4748295, MONDO:0029133, OMIM 618129.
Autosomal recessive limb-girdle muscular dystrophy type 2A (LGMDR1). Also called: Calpainopathy; MUSCULAR DYSTROPHY, PELVOFEMORAL; Limb-girdle muscular dystrophy, type 2A; Muscular dystrophy, limb-girdle, type 2A, Amish; LEYDEN-MOEBIUS MUSCULAR DYSTROPHY. Identifiers: Orphanet 267, MedGen C1869123, MONDO:0009675, OMIM 253600. Disease mechanism: loss of function.

Allele frequency attached by ClinVar (database versions not stated): gnomAD 0.00001; gnomAD exomes 0.00001 and 0.00002; ExAC 0.00002; TOPMed 0.00003.
gnomAD v4.1: 32 of 1,613,458 alleles (0.002%); highest among the groups gnomAD compares: Non-Finnish European, 0.0026%; no homozygotes.

Submissions (3):

Labcorp Genetics (formerly Invitae), Labcorp
Classification: Uncertain significance for Autosomal recessive limb-girdle muscular dystrophy type 2A. Last evaluated: 2025-12-01. Review status: criteria provided, single submitter. Criteria: Invitae Variant Classification Sherloc (09022015). Collection method: clinical testing. Allele origin: germline.
Comment: This sequence change replaces threonine, which is neutral and polar, with alanine, which is neutral and non-polar, at codon 3 of the CAPN3 protein (p.Thr3Ala). This variant is present in population databases (rs761238719, gnomAD 0.0009%). This variant has not been reported in the literature in individuals affected with CAPN3-related conditions. ClinVar contains an entry for this variant (Variation ID: 285181). Invitae Evidence Modeling of protein sequence and biophysical properties (such as structural, functional, and spatial information, amino acid conservation, physicochemical variation, residue mobility, and thermodynamic stability) has been performed for this missense variant. However, the output from this modeling did not meet the statistical confidence thresholds required to predict the impact of this variant on CAPN3 protein function. In summary, the available evidence is currently insufficient to determine the role of this variant in disease. Therefore, it has been classified as a Variant of Uncertain Significance.

Fulgent Genetics
Classification: Uncertain significance for Autosomal recessive limb-girdle muscular dystrophy type 2A; Muscular dystrophy, limb-girdle, autosomal dominant 4. Last evaluated: 2021-08-11. Review status: criteria provided, single submitter. Criteria: ACMG Guidelines, 2015. Collection method: clinical testing. Allele origin: unknown.

Eurofins Ntd Llc (ga)
Classification: Uncertain significance. Last evaluated: 2016-01-08. Review status: criteria provided, single submitter. Criteria: EGL Classification Definitions 2015. Collection method: clinical testing. Allele origin: germline. Observed: 1 variant allele, 1 heterozygote.